The following is an entry in ClinVar:

NM_000550.3(TYRP1):c.810C>A (p.Ser270Arg)

Gene: TYRP1 (tyrosinase related protein 1; plus strand). Cytogenetic location: 9p23.
Variant type: single nucleotide variant.
Coding change: c.810C>A on transcript NM_000550.3 (MANE Select); coding-DNA position 810, C replaced by A.
Protein change: p.Ser270Arg; replaces serine 270 with arginine.
Molecular consequence: missense variant.
Genome position (GRCh38, 1-based): chr9:12,698,552, C>A. VCF-style: chr9-12698552-C-A. GRCh37 (hg19) VCF-style: chr9-12698552-C-A.
Other names: short protein forms S270R.
Identifiers: ClinVar variation 2577323 (VCV002577323.1), dbSNP rs202189890, ClinGen allele CA4985329.

ClinVar aggregate classification (germline): Uncertain significance (1 of 4 stars; one submission).

Allele frequency attached by ClinVar (database versions not stated): ExAC 0.00001; gnomAD 0.00001; 1000 Genomes Project 30x 0.00016; 1000 Genomes Project 0.00020.
gnomAD v4.1: 11 of 1,613,836 alleles (0.00068%); highest among the groups gnomAD compares: Non-Finnish European, 0.00093%; no homozygotes.

Submission:

Women's Health and Genetics/Laboratory Corporation of America, LabCorp
Classification: Uncertain significance. Last evaluated: 2023-07-31. Review status: criteria provided, single submitter. Criteria: LabCorp Variant Classification Summary - May 2015. Collection method: clinical testing. Allele origin: germline.
Comment: Variant summary: TYRP1 c.810C>A (p.Ser270Arg) results in a non-conservative amino acid change located in the tyrosinase copper-binding domain (IPR002227) of the encoded protein sequence. Four of five in-silico tools predict a damaging effect of the variant on protein function. The variant allele was found at a frequency of 4e-06 in 251148 control chromosomes (gnomAD). The available data on variant occurrences in the general population are insufficient to allow any conclusion about variant significance. c.810C>A has been reported in the literature as a compound heterozygous genotype in an individual affected with Oculocutaneous albinism (Lasseaux_2018). This report does not provide unequivocal conclusions about association of the variant with Oculocutaneous albinism type 3. To our knowledge, no experimental evidence demonstrating an impact on protein function has been reported. The following publications have been ascertained in the context of this evaluation (PMID: 29345414, 31233279). No submitters have cited clinical-significance assessments for this variant to ClinVar after 2014. Based on the evidence outlined above, the variant was classified as uncertain significance.

Literature cited by the submitters: PubMed 29345414; PubMed 31233279.